The following is an entry in ClinVar:

ClinVar aggregate classification (germline): Uncertain significance (1 of 4 stars; one submission).

Conditions:
Inborn genetic diseases. Identifiers: MedGen C0950123, MeSH D030342.

Submission:

Ambry Genetics
Classification: Uncertain significance for Inborn genetic diseases. Last evaluated: 2025-06-29. Review status: criteria provided, single submitter. Criteria: Ambry Variant Classification Scheme 2023. Collection method: clinical testing. Allele origin: germline.
Comment: The p.Y1303F variant (also known as c.3908A>T), located in coding exon 1 of the SAMD9 gene, results from an A to T substitution at nucleotide position 3908. The tyrosine at codon 1303 is replaced by phenylalanine, an amino acid with highly similar properties. This amino acid position is conserved. In addition, this alteration is predicted to be tolerated by in silico analysis. Based on the available evidence, the clinical significance of this variant remains unclear.

NM_017654.4(SAMD9):c.3908A>T (p.Tyr1303Phe)

Gene: SAMD9 (sterile alpha motif domain containing 9; minus strand). Cytogenetic location: 7q21.2.
Variant type: single nucleotide variant.
Coding change: c.3908A>T on transcript NM_017654.4 (MANE Select); coding-DNA position 3908, A replaced by T.
Protein change: p.Tyr1303Phe; replaces tyrosine 1303 with phenylalanine.
Molecular consequence: missense variant.
Genome position (GRCh38, 1-based): chr7:93,102,190, T>A on the plus strand (A>T on the coding strand, the complement: SAMD9 is on the minus strand). VCF-style: chr7-93102190-T-A. GRCh37 (hg19) VCF-style: chr7-92731503-T-A.
Other names: c.3908A>T, p.Tyr1303Phe (NM_001193307.2); short protein forms Y1303F.
Identifiers: ClinVar variation 4159052 (VCV004159052.1).